The following is an entry in ClinVar:

ClinVar aggregate classification (germline): Uncertain significance (1 of 4 stars; one submission).

gnomAD v4.1: 1 of 1,614,128 alleles (0.000062%); highest among the groups gnomAD compares: Non-Finnish European, 0.000085%; no homozygotes.

Submission:

Labcorp Genetics (formerly Invitae), Labcorp
Classification: Uncertain significance. Last evaluated: 2023-10-20. Review status: criteria provided, single submitter. Criteria: Invitae Variant Classification Sherloc (09022015). Collection method: clinical testing. Allele origin: germline.
Comment: This sequence change replaces leucine, which is neutral and non-polar, with arginine, which is basic and polar, at codon 2059 of the POLE protein (p.Leu2059Arg). This variant is not present in population databases (gnomAD no frequency). This variant has not been reported in the literature in individuals affected with POLE-related conditions. ClinVar contains an entry for this variant (Variation ID: 1715675). Advanced modeling of protein sequence and biophysical properties (such as structural, functional, and spatial information, amino acid conservation, physicochemical variation, residue mobility, and thermodynamic stability) performed at Invitae indicates that this missense variant is expected to disrupt POLE protein function. In summary, the available evidence is currently insufficient to determine the role of this variant in disease. Therefore, it has been classified as a Variant of Uncertain Significance.

NM_006231.4(POLE):c.6176T>G (p.Leu2059Arg)

Gene: POLE (DNA polymerase epsilon, catalytic subunit; minus strand). Cytogenetic location: 12q24.33.
Variant type: single nucleotide variant.
Coding change: c.6176T>G on transcript NM_006231.4 (MANE Select); coding-DNA position 6176, T replaced by G.
Protein change: p.Leu2059Arg; replaces leucine 2059 with arginine.
Molecular consequence: missense variant.
Genome position (GRCh38, 1-based): chr12:132,632,469, A>C on the plus strand (T>G on the coding strand, the complement: POLE is on the minus strand). VCF-style: chr12-132632469-A-C. GRCh37 (hg19) VCF-style: chr12-133209055-A-C.
Other names: short protein forms L2059R.
Identifiers: ClinVar variation 1715675 (VCV001715675.5), dbSNP rs1427162463, ClinGen allele CA387369884.